The following is an entry in ClinVar:

ClinVar aggregate classification (germline): Likely benign (0 of 4 stars; one submission).

Conditions:
TBX10-related disorder. Also called: TBX10-related condition.

Allele frequency attached by ClinVar (database versions not stated): ESP Exome Variant Server 0.00015; gnomAD 0.00016; 1000 Genomes Project 0.00020; TOPMed 0.00020; 1000 Genomes Project 30x 0.00031; ExAC 0.00048.

Submission:

PreventionGenetics, part of Exact Sciences
Classification: Likely benign for TBX10-related condition. Last evaluated: 2023-07-18. Review status: no assertion criteria provided. Collection method: clinical testing. Allele origin: germline.
Comment: This variant is classified as likely benign based on ACMG/AMP sequence variant interpretation guidelines (Richards et al. 2015 PMID: 25741868, with internal and published modifications).

NM_005995.5(TBX10):c.487C>T (p.Arg163Cys)

Gene: TBX10 (T-box transcription factor 10; minus strand). Cytogenetic location: 11q13.2.
Variant type: single nucleotide variant.
Coding change: c.487C>T on transcript NM_005995.5 (MANE Select); coding-DNA position 487, C replaced by T.
Protein change: p.Arg163Cys; replaces arginine 163 with cysteine.
Molecular consequence: missense variant.
Genome position (GRCh38, 1-based): chr11:67,634,251, G>A on the plus strand (C>T on the coding strand, the complement: TBX10 is on the minus strand). VCF-style: chr11-67634251-G-A. GRCh37 (hg19) VCF-style: chr11-67401722-G-A.
Other names: short protein forms R163C.
Identifiers: ClinVar variation 3036353 (VCV003036353.2), dbSNP rs200089316, ClinGen allele CA6143989.
Genomic context (GRCh38, chr11:67,634,251, plus strand): 5'-GGCCATTGTCATCCAGCAGGTTGTTGGTCAGCTTGAGCTTGTCAAAGGACACAATCTGGC[G>A]CATCCACTGGGCACCCTTGGCTGGCGAGTCGGGGTGGAAGTGCACGCGGCCAGGTGTGGC-3'
Protein context (NP_005986.2, residues 153-173): DSPAKGAQWM[Arg163Cys]QIVSFDKLKL